The following is an entry in ClinVar:

NM_000038.6(APC):c.*10A>G

Gene: APC (APC regulator of Wnt signaling pathway; plus strand). Cytogenetic location: 5q22.2.
Variant type: single nucleotide variant.
Coding change: c.*10A>G on transcript NM_000038.6 (MANE Select); 10 bases downstream of the stop codon, A replaced by G.
Molecular consequence: 3 prime UTR variant.
Genome position (GRCh38, 1-based): chr5:112,844,136, A>G. VCF-style: chr5-112844136-A-G. GRCh37 (hg19) VCF-style: chr5-112179833-A-G.
Other names: c.*10A>G (NM_001127510.3, NM_001127511.3, NM_001354895.2 and 11 more transcripts).
Identifiers: ClinVar variation 490185 (VCV000490185.5), dbSNP rs1554089226, ClinGen allele CA658683428.

ClinVar aggregate classification (germline): Conflicting classifications of pathogenicity. Review status: criteria provided, conflicting classifications (1 of 4 stars). 2 submissions from 2 submitters: Uncertain significance (1); Benign (1). Last evaluated 2024-09-30.

Conditions:
Hereditary cancer-predisposing syndrome. Also called: Hereditary Cancer Syndrome; Neoplastic Syndromes, Hereditary; Tumor predisposition; Hereditary neoplastic syndrome. Identifiers: Orphanet 140162, MedGen C0027672, MeSH D009386, MONDO:0015356.
Familial adenomatous polyposis 1 (FAP1). Also called: POLYPOSIS, ADENOMATOUS INTESTINAL; FAMILIAL ADENOMATOUS POLYPOSIS 1, ATTENUATED. Identifiers: MedGen C2713442, MONDO:0021056, OMIM 175100. Disease mechanism: loss of function.

Submissions (2):

Myriad Genetics, Inc.
Classification: Benign for Familial adenomatous polyposis 1. Last evaluated: 2024-09-30. Review status: criteria provided, single submitter. Criteria: Myriad Autosomal Dominant, Autosomal Recessive and X-Linked Classification Criteria (2023). Collection method: clinical testing. Allele origin: unknown.
Comment: This variant is considered benign. This variant occurs in the non-coding 3' untranslated region of the gene, and is not expected to impact protein function.

Color Diagnostics, LLC DBA Color Health
Classification: Uncertain significance for Hereditary cancer-predisposing syndrome. Last evaluated: 2019-06-16. Review status: criteria provided, single submitter. Criteria: ACMG Guidelines, 2015. Collection method: clinical testing. Allele origin: germline.